The following is an entry in ClinVar:

ClinVar aggregate classification (germline): Benign. Review status: criteria provided, multiple submitters, no conflicts (2 of 4 stars). 2 submissions from 2 submitters: Benign (2). Last evaluated 2018-01-12.

Conditions:
Nemaline myopathy 7 (NEM7). Also called: Nemaline myopathy 7, autosomal recessive. Identifiers: Orphanet 171436, MedGen C1853154, MONDO:0012538, OMIM 610687.

Allele frequency attached by ClinVar (database versions not stated): gnomAD exomes 0.18302 and 0.19060; gnomAD 0.24649 and 0.24886; ExAC 0.24689; TOPMed 0.25310; 1000 Genomes Project 0.27596; 1000 Genomes Project 30x 0.27967.

Submissions (2):

Illumina Laboratory Services, Illumina
Classification: Benign for Nemaline myopathy 7. Last evaluated: 2018-01-12. Review status: criteria provided, single submitter. Criteria: ICSL Variant Classification Criteria 13 December 2019. Collection method: clinical testing. Allele origin: germline.
Comment: This variant was observed in the ICSL laboratory as part of a predisposition screen in an ostensibly healthy population. It had not been previously curated by ICSL or reported in the Human Gene Mutation Database (HGMD: prior to June 1st, 2018), and was therefore a candidate for classification through an automated scoring system. Utilizing variant allele frequency, disease prevalence and penetrance estimates, and inheritance mode, an automated score was calculated to assess if this variant is too frequent to cause the disease. Based on the score and internal cut-off values, a variant classified as benign is not then subjected to further curation. The score for this variant resulted in a classification of benign for this disease.

Breakthrough Genomics
Classification: Benign. Review status: criteria provided, single submitter. Criteria: ACMG Guidelines, 2015. Collection method: not provided. Allele origin: germline. Inheritance: Autosomal recessive inheritance. Affected: yes.

NM_138638.5(CFL2):c.*2038G>T

Gene: CFL2 (cofilin 2; minus strand). Cytogenetic location: 14q13.1.
Variant type: single nucleotide variant.
Coding change: c.*2038G>T on transcript NM_138638.5 (MANE Select); 2038 bases downstream of the stop codon, G replaced by T.
Molecular consequence: 3 prime UTR variant. On other transcripts: non-coding transcript variant (2).
Genome position (GRCh38, 1-based): chr14:34,710,827, C>A on the plus strand (G>T on the coding strand, the complement: CFL2 is on the minus strand). VCF-style: chr14-34710827-C-A. GRCh37 (hg19) VCF-style: chr14-35180033-C-A.
Other names: c.*2038G>T (NM_001243645.2, NM_021914.8).
Identifiers: ClinVar variation 313079 (VCV000313079.6), dbSNP rs9491, ClinGen allele CA7152144.
Genomic context (GRCh38, chr14:34,710,827, plus strand): 5'-TGAAATTACTAGAGGCATACAAGAAAGTTAAGGAATCAGCTACAAAAACAAAAGATACTA[C>A]ATAACTGATTTATAGTCCCTTATTTTTTAAAAGAATGAGGAAATAACTCAATGAAAAATT-3'